The following is an entry in ClinVar:

ClinVar aggregate classification (germline): Uncertain significance (1 of 4 stars; one submission).

Submission:

GeneDx
Classification: Uncertain significance. Last evaluated: 2024-07-09. Review status: criteria provided, single submitter. Criteria: GeneDx Variant Classification Process June 2021. Collection method: clinical testing. Allele origin: germline.
Comment: Not observed at significant frequency in large population cohorts (gnomAD); In silico analysis indicates that this missense variant does not alter protein structure/function; Has not been previously published as pathogenic or benign to our knowledge

NM_007118.4(TRIO):c.7322T>C (p.Leu2441Pro)

Gene: TRIO (trio Rho guanine nucleotide exchange factor; plus strand). Cytogenetic location: 5p15.2.
Variant type: single nucleotide variant.
Coding change: c.7322T>C on transcript NM_007118.4 (MANE Select); coding-DNA position 7322, T replaced by C.
Protein change: p.Leu2441Pro; replaces leucine 2441 with proline.
Molecular consequence: missense variant.
Genome position (GRCh38, 1-based): chr5:14,487,950, T>C. VCF-style: chr5-14487950-T-C. GRCh37 (hg19) VCF-style: chr5-14488059-T-C.
Other names: short protein forms L2441P.
Identifiers: ClinVar variation 2663202 (VCV002663202.2), dbSNP rs2477476439, ClinGen allele CA359237251.